The following is an entry in ClinVar:

NM_015331.3(NCSTN):c.1450G>A (p.Ala484Thr)

Gene: NCSTN (nicastrin; plus strand). Cytogenetic location: 1q23.2.
Variant type: single nucleotide variant.
Coding change: c.1450G>A on transcript NM_015331.3 (MANE Select); coding-DNA position 1450, G replaced by A.
Protein change: p.Ala484Thr; replaces alanine 484 with threonine.
Molecular consequence: missense variant.
Genome position (GRCh38, 1-based): chr1:160,355,752, G>A. VCF-style: chr1-160355752-G-A. GRCh37 (hg19) VCF-style: chr1-160325542-G-A.
Other names: c.1390G>A, p.Ala464Thr (NM_001290184.2); c.1036G>A, p.Ala346Thr (NM_001290186.2); c.1450G>A, p.Ala484Thr (NM_001349729.2); c.1450G>A (NM_015331.2); short protein forms A346T, A484T, A464T.
Identifiers: ClinVar variation 2825001 (VCV002825001.4), dbSNP rs1649094644, ClinGen allele CA343282013.

ClinVar aggregate classification (germline): Uncertain significance. Review status: criteria provided, multiple submitters, no conflicts (2 of 4 stars). 2 submissions from 2 submitters: Uncertain significance (2). Last evaluated 2025-08-28.

Conditions:
Inborn genetic diseases. Identifiers: MedGen C0950123, MeSH D030342.

Allele frequency attached by ClinVar (database versions not stated): gnomAD exomes below 0.00001.
gnomAD v4.1: 2 of 1,613,426 alleles (0.00012%); highest among the groups gnomAD compares: Non-Finnish European, 0.00017%; no homozygotes.

Submissions (2):

Labcorp Genetics (formerly Invitae), Labcorp
Classification: Uncertain significance. Last evaluated: 2025-08-28. Review status: criteria provided, single submitter. Criteria: Invitae Variant Classification Sherloc (09022015). Collection method: clinical testing. Allele origin: germline.
Comment: This sequence change replaces alanine, which is neutral and non-polar, with threonine, which is neutral and polar, at codon 484 of the NCSTN protein (p.Ala484Thr). This variant is not present in population databases (gnomAD no frequency). This variant has not been reported in the literature in individuals affected with NCSTN-related conditions. ClinVar contains an entry for this variant (Variation ID: 2825001). Invitae Evidence Modeling of protein sequence and biophysical properties (such as structural, functional, and spatial information, amino acid conservation, physicochemical variation, residue mobility, and thermodynamic stability) has been performed for this missense variant. However, the output from this modeling did not meet the statistical confidence thresholds required to predict the impact of this variant on NCSTN protein function. In summary, the available evidence is currently insufficient to determine the role of this variant in disease. Therefore, it has been classified as a Variant of Uncertain Significance.

Ambry Genetics
Classification: Uncertain significance for Inborn genetic diseases. Last evaluated: 2025-02-23. Review status: criteria provided, single submitter. Criteria: Ambry Variant Classification Scheme 2023. Collection method: clinical testing. Allele origin: germline.